The following is an entry in ClinVar:

NM_005629.4(SLC6A8):c.975A>C (p.Thr325=)

Gene: SLC6A8 (solute carrier family 6 member 8; plus strand). Cytogenetic location: Xq28.
Variant type: single nucleotide variant.
Coding change: c.975A>C on transcript NM_005629.4 (MANE Select); coding-DNA position 975, A replaced by C.
Protein change: p.Thr325=; no amino-acid change (threonine 325 retained).
Molecular consequence: synonymous variant.
Genome position (GRCh38, 1-based): chrX:153,693,325, A>C. VCF-style: chrX-153693325-A-C. GRCh37 (hg19) VCF-style: chrX-152958780-A-C.
Other names: c.975A>C, p.Thr325= (NM_001142805.2); c.630A>C, p.Thr210= (NM_001142806.1).
Identifiers: ClinVar variation 416006 (VCV000416006.56), dbSNP rs782517934, ClinGen allele CA10549370.

ClinVar aggregate classification (germline): Benign/Likely benign. Review status: criteria provided, multiple submitters, no conflicts (2 of 4 stars). 6 submissions from 6 submitters: Benign (2); Likely benign (4). Last evaluated 2026-01-26.

Conditions:
Creatine transporter deficiency (CCDS1). Also called: Creatine Transporter (CRTR) Deficiency; Mental retardation , X-linked with seizures, short stature and midface hypoplasia; Mental retardation , X-linked, with creatine transport deficiency; X-linked creatine transporter deficiency; X-linked creatine deficiency syndrome; SLC6A8-Related Creatine Transporter Deficiency. Identifiers: Orphanet 52503, MedGen C1845862, MONDO:0010305, OMIM 300352.

Allele frequency attached by ClinVar (database versions not stated): gnomAD 0.00004; gnomAD exomes 0.00006 and 0.00013; TOPMed 0.00007; ExAC 0.00016.
gnomAD v4.1: 74 of 1,209,647 alleles (0.0061%); highest among the groups gnomAD compares: Middle Eastern, 0.14%; no homozygotes.

Submissions (6):

Labcorp Genetics (formerly Invitae), Labcorp
Classification: Benign for Creatine transporter deficiency. Last evaluated: 2026-01-26. Review status: criteria provided, single submitter. Criteria: Invitae Variant Classification Sherloc (09022015). Collection method: clinical testing. Allele origin: germline.

Blueprint Genetics
Classification: Likely benign. Last evaluated: 2024-08-30. Review status: criteria provided, single submitter. Criteria: ACMG Guidelines, 2015. Collection method: clinical testing. Allele origin: germline.

CeGaT Center for Human Genetics Tuebingen
Classification: Likely benign. Last evaluated: 2023-04-01. Review status: criteria provided, single submitter. Criteria: CeGaT Center For Human Genetics Tuebingen Variant Classification Criteria Version 2. Collection method: clinical testing. Allele origin: germline. Affected: yes. Observed: 2 variant alleles.
Comment: SLC6A8: BP4, BP7, BS2

GeneDx
Classification: Likely benign. Last evaluated: 2020-11-05. Review status: criteria provided, single submitter. Criteria: GeneDx Variant Classification Process June 2021. Collection method: clinical testing. Allele origin: germline. Affected: yes.

Athena Diagnostics
Classification: Benign. Last evaluated: 2018-11-14. Review status: criteria provided, single submitter. Criteria: Athena Diagnostics Criteria. Collection method: clinical testing. Allele origin: germline.

Breakthrough Genomics
Classification: Likely benign. Review status: criteria provided, single submitter. Criteria: ACMG Guidelines, 2015. Collection method: not provided. Allele origin: germline. Inheritance: X-linked inheritance. Affected: yes.